The following is an entry in ClinVar:

ClinVar aggregate classification (germline): Pathogenic (1 of 4 stars; one submission).

Conditions:
Hereditary cancer-predisposing syndrome. Also called: Neoplastic Syndromes, Hereditary; Tumor predisposition; Hereditary Cancer Syndrome; Hereditary neoplastic syndrome. Identifiers: Orphanet 140162, MedGen C0027672, MeSH D009386, MONDO:0015356.

Submission:

Ambry Genetics
Classification: Pathogenic for Hereditary cancer-predisposing syndrome. Last evaluated: 2025-10-23. Review status: criteria provided, single submitter. Criteria: Ambry Variant Classification Scheme 2023. Collection method: clinical testing. Allele origin: germline.
Comment: The p.L1387* pathogenic mutation (also known as c.4160T>G), located in coding exon 10 of the BRCA2 gene, results from a T to G substitution at nucleotide position 4160. This changes the amino acid from a leucine to a stop codon within coding exon 10. This variant is considered to be rare based on population cohorts in the Genome Aggregation Database (gnomAD). This alteration is expected to result in loss of function by premature protein truncation or nonsense-mediated mRNA decay. As such, this alteration is interpreted as a disease-causing mutation.

NM_000059.4(BRCA2):c.4160T>G (p.Leu1387Ter)

Gene: BRCA2 (BRCA2 DNA repair associated; plus strand). Cytogenetic location: 13q13.1.
Variant type: single nucleotide variant.
Coding change: c.4160T>G on transcript NM_000059.4 (MANE Select); coding-DNA position 4160, T replaced by G.
Protein change: p.Leu1387Ter; replaces leucine 1387 with a stop codon.
Molecular consequence: nonsense. On other transcripts: non-coding transcript variant (1), intron variant (2).
Genome position (GRCh38, 1-based): chr13:32,338,515, T>G. VCF-style: chr13-32338515-T-G. GRCh37 (hg19) VCF-style: chr13-32912652-T-G.
Other names: c.4160T>G, p.Leu1387Ter (NM_001406719.1, NM_001406720.1, NM_001432077.1); c.1909+5128T>G (NM_001406721.1); c.425-6043T>G (NM_001406722.1); short protein forms L1387*.
Identifiers: ClinVar variation 4628906 (VCV004628906.1).